The following is an entry in ClinVar:

ClinVar aggregate classification (germline): Uncertain significance (1 of 4 stars; one submission).

Conditions:
Chromosome 2q32-q33 deletion syndrome (GLASS). Also called: Glass syndrome; 2q33.1 deletion syndrome. Identifiers: Orphanet 251019, MedGen C2676739, MONDO:0012864, OMIM 612313.

Submission:

Labcorp Genetics (formerly Invitae), Labcorp
Classification: Uncertain significance for Chromosome 2q32-q33 deletion syndrome. Last evaluated: 2017-06-16. Review status: criteria provided, single submitter. Criteria: Invitae Variant Classification Sherloc (09022015). Collection method: clinical testing. Allele origin: germline.
Comment: In summary, this variant has uncertain impact on SATB2 function. The available evidence is currently insufficient to determine its role in disease. Therefore, it has been classified as a Variant of Uncertain Significance. This variant has not been reported in the literature in individuals with a SATB2-related disease. This variant is a gross duplication of the genomic region encompassing exons 3-11 of the SATB2 gene. The 5' end of this event is unknown as it extends beyond the assayed region for this gene and therefore may encompass additional genes. The 3' boundary is likely confined to intron 11 of the SATB2 gene. The exact genomic location of this variant is unknown.

NC_000002.11:g.(?_200173463)_(200320780_?)dup

Gene: SATB2 (SATB homeobox 2; minus strand). Cytogenetic location: 2q33.1.
Variant type: Duplication.
Identifiers: ClinVar variation 469539 (VCV000469539.4).